The following is an entry in ClinVar:

NM_000328.3(RPGR):c.1997_1998del (p.Val666fs)

Gene: RPGR (retinitis pigmentosa GTPase regulator; minus strand). Cytogenetic location: Xp11.4.
Variant type: Microsatellite.
Coding change: c.1997_1998del on transcript NM_000328.3; coding-DNA positions 1997 to 1998, 2 bases deleted (TG; older notation c.1997_1998delTG).
Protein change: p.Val666fs; shifts the reading frame from valine 666.
Molecular consequence: frameshift variant. On other transcripts: non-coding transcript variant (6).
Genome position (GRCh38, 1-based): chrX:38,276,680-38,276,681, CA deleted on the plus strand (TG on the coding strand, the reverse complement: RPGR is on the minus strand); deleting any 2 consecutive bases within chrX:38,276,680-38,276,683 gives the same sequence; the c. name uses the placement nearest the transcript's 3' end. VCF-style (leftmost placement, unchanged base first): chrX-38276679-CCA-C. GRCh37 (hg19) VCF-style: chrX-38135932-CCA-C.
Other names: c.1994_1995del, p.Val665fs (NM_001367245.1); c.1811_1812del, p.Val604fs (NM_001367246.1); c.1664_1665del, p.Val555fs (NM_001367247.1); c.1694_1695del, p.Val565fs (NM_001367248.1); c.1661_1662del, p.Val554fs (NM_001367249.1, NM_001367250.1); c.1478_1479del, p.Val493fs (NM_001367251.1); short protein forms V666fs, V554fs, V493fs, V555fs, V604fs, V665fs, V565fs.
Identifiers: ClinVar variation 1784063 (VCV001784063.3), dbSNP rs2519757776, ClinGen allele CA2580616964.

ClinVar aggregate classification (germline): Pathogenic/Likely pathogenic. Review status: criteria provided, multiple submitters, no conflicts (2 of 4 stars). 2 submissions from 2 submitters: Pathogenic (1); Likely pathogenic (1). Last evaluated 2026-10-14.

Conditions:
Primary ciliary dyskinesia without retinitis pigmentosa.
Primary ciliary dyskinesia. Also called: Ciliary dyskinesia. Identifiers: Orphanet 244, MedGen C0008780, MONDO:0016575, HP:0012265.

Submissions (2):

Laboratoire de Génétique Moléculaire, CHU Bordeaux
Classification: Likely pathogenic for Primary ciliary dyskinesia without retinitis pigmentosa. Last evaluated: 2026-10-14. Review status: criteria provided, single submitter. Criteria: ACMG Guidelines, 2015. Collection method: clinical testing. Allele origin: unknown. Inheritance: X-linked inheritance. Affected: yes. Observed: 1 variant allele, 1 hemizygote.
Comment: PVS1, PM2. This variant results in an almost complete loss-of-function due to nonsense mediated decay (in-house mRNA analysis on nasal epithelial cells). This variant concerns the ubiquitous 19 exons RPGR ubiquitous transcript and does not affect the 15 exons retina-specific isoform. In summary, this variant met our criteria to be classified as likely pathogenic (ACMG, Richards et al. 2015).

Ambry Genetics
Classification: Pathogenic for Primary ciliary dyskinesia. Last evaluated: 2018-11-09. Review status: criteria provided, single submitter. Criteria: Ambry Variant Classification Scheme 2023. Collection method: clinical testing. Allele origin: germline.
Comment: The c.1997_1998delTG pathogenic mutation, located in coding exon 16 of the RPGR gene, results from a deletion of two nucleotides at nucleotide positions 1997 to 1998, causing a translational frameshift with a predicted alternate stop codon (p.V666Gfs*3). This alteration is expected to result in loss of function by premature protein truncation or nonsense-mediated mRNA decay. As such, this alteration is interpreted as a disease-causing mutation.